The following is an entry in ClinVar:

NM_001080.3(ALDH5A1):c.514C>T (p.Arg172Cys)

Gene: ALDH5A1 (aldehyde dehydrogenase 5 family member A1; plus strand). Cytogenetic location: 6p22.3.
Variant type: single nucleotide variant.
Coding change: c.514C>T on transcript NM_001080.3 (MANE Select); coding-DNA position 514, C replaced by T.
Protein change: p.Arg172Cys; replaces arginine 172 with cysteine.
Molecular consequence: missense variant.
Genome position (GRCh38, 1-based): chr6:24,503,338, C>T. VCF-style: chr6-24503338-C-T. GRCh37 (hg19) VCF-style: chr6-24503566-C-T.
Other names: c.514C>T, p.Arg172Cys (NM_001368954.1, NM_170740.1); short protein forms R172C.
Identifiers: ClinVar variation 1004401 (VCV001004401.10), dbSNP rs551902853, ClinGen allele CA3656640.
Genomic context (GRCh38, chr6:24,503,338, plus strand): 5'-GAGGCACATGGAGAAATTCTCTATTCCGCCTTTTTCCTAGAGTGGTTCTCTGAGGAAGCC[C>T]GCCGTGTTTACGGAGACATTATCCACACCCCGGCAAAGGACAGGCGGGCCCTGGTCCTCA-3'
Protein context (NP_001071.1, residues 162-182): FFLEWFSEEA[Arg172Cys]RVYGDIIHTP

ClinVar aggregate classification (germline): Uncertain significance. Review status: criteria provided, multiple submitters, no conflicts (2 of 4 stars). 3 submissions from 3 submitters: Uncertain significance (3). Last evaluated 2025-11-17.

Conditions:
Inborn genetic diseases. Identifiers: MedGen C0950123, MeSH D030342.
Succinate-semialdehyde dehydrogenase deficiency (SSADHD). Also called: Succinic Semialdehyde Dehydrogenase Deficiency; SSADH DEFICIENCY; 4-HYDROXYBUTYRIC ACIDURIA; GABA METABOLIC DEFECT. Identifiers: Orphanet 22, MedGen C0268631, MONDO:0010083, OMIM 271980.

Allele frequency attached by ClinVar (database versions not stated): gnomAD exomes 0.00001; ExAC 0.00002; TOPMed 0.00007; 1000 Genomes Project 30x 0.00016; 1000 Genomes Project 0.00020.
gnomAD v4.1: 16 of 1,614,074 alleles (0.00099%); highest among the groups gnomAD compares: Admixed American, 0.005%; no homozygotes.

Submissions (3):

Labcorp Genetics (formerly Invitae), Labcorp
Classification: Uncertain significance for Succinate-semialdehyde dehydrogenase deficiency. Last evaluated: 2025-11-17. Review status: criteria provided, single submitter. Criteria: Invitae Variant Classification Sherloc (09022015). Collection method: clinical testing. Allele origin: germline.
Comment: This sequence change replaces arginine, which is basic and polar, with cysteine, which is neutral and slightly polar, at codon 172 of the ALDH5A1 protein (p.Arg172Cys). This variant is present in population databases (rs551902853, gnomAD 0.003%). This variant has not been reported in the literature in individuals affected with ALDH5A1-related conditions. ClinVar contains an entry for this variant (Variation ID: 1004401). Invitae Evidence Modeling of protein sequence and biophysical properties (such as structural, functional, and spatial information, amino acid conservation, physicochemical variation, residue mobility, and thermodynamic stability) indicates that this missense variant is not expected to disrupt ALDH5A1 protein function with a negative predictive value of 80%. In summary, the available evidence is currently insufficient to determine the role of this variant in disease. Therefore, it has been classified as a Variant of Uncertain Significance.

Ambry Genetics
Classification: Uncertain significance for Inborn genetic diseases. Last evaluated: 2023-11-17. Review status: criteria provided, single submitter. Criteria: Ambry Variant Classification Scheme 2023. Collection method: clinical testing. Allele origin: germline.

GeneDx
Classification: Uncertain significance. Last evaluated: 2019-06-17. Review status: criteria provided, single submitter. Criteria: GeneDx Variant Classification Process June 2021. Collection method: clinical testing. Allele origin: germline. Affected: yes.
Comment: Not observed at a significant frequency in large population cohorts (Lek et al., 2016); In silico analysis, which includes protein predictors and evolutionary conservation, supports a deleterious effect; Has not been previously published as pathogenic or benign to our knowledge